The following is an entry in ClinVar:

NM_000522.5(HOXA13):c.373G>A (p.Ala125Thr)

Genes: HOXA13 (homeobox A13; minus strand), LOC107126288 (NUP98-HOXA13 recombination region; plus strand). Cytogenetic location: 7p15.2.
Variant type: single nucleotide variant.
Coding change: c.373G>A on transcript NM_000522.5 (MANE Select); coding-DNA position 373, G replaced by A.
Protein change: p.Ala125Thr; replaces alanine 125 with threonine.
Molecular consequence: missense variant.
Genome position (GRCh38, 1-based): chr7:27,199,705, C>T on the plus strand (G>A on the coding strand, the complement: HOXA13 is on the minus strand). VCF-style: chr7-27199705-C-T. GRCh37 (hg19) VCF-style: chr7-27239324-C-T.
Other names: short protein forms A125T.
Identifiers: ClinVar variation 1484314 (VCV001484314.6), dbSNP rs1784067148, ClinGen allele CA367074197.

ClinVar aggregate classification (germline): Uncertain significance (1 of 4 stars; one submission).

Allele frequency attached by ClinVar (database versions not stated): gnomAD 0.00001.
gnomAD v4.1: 5 of 1,025,982 alleles (0.00049%); highest among the groups gnomAD compares: Admixed American, 0.0058%; no homozygotes.

Submission:

Labcorp Genetics (formerly Invitae), Labcorp
Classification: Uncertain significance. Last evaluated: 2024-08-13. Review status: criteria provided, single submitter. Criteria: Invitae Variant Classification Sherloc (09022015). Collection method: clinical testing. Allele origin: germline.
Comment: This sequence change replaces alanine, which is neutral and non-polar, with threonine, which is neutral and polar, at codon 125 of the HOXA13 protein (p.Ala125Thr). The frequency data for this variant in the population databases is considered unreliable, as metrics indicate insufficient coverage at this position in the gnomAD database. This variant has not been reported in the literature in individuals affected with HOXA13-related conditions. ClinVar contains an entry for this variant (Variation ID: 1484314). Experimental studies and prediction algorithms are not available or were not evaluated, and the functional significance of this variant is currently unknown. In summary, the available evidence is currently insufficient to determine the role of this variant in disease. Therefore, it has been classified as a Variant of Uncertain Significance.